The following is an entry in ClinVar:

ClinVar aggregate classification (germline): Uncertain significance. Review status: criteria provided, multiple submitters, no conflicts (2 of 4 stars). 2 submissions from 2 submitters: Uncertain significance (2). Last evaluated 2025-06-04.

Conditions:
Cardiovascular phenotype. Identifiers: MedGen CN230736.
Hypertrophic cardiomyopathy. Also called: HYPERTROPHIC MYOCARDIOPATHY. Identifiers: Orphanet 217569, MedGen C0007194, MeSH D002312, MONDO:0005045, HP:0001639.

Submissions (2):

Labcorp Genetics (formerly Invitae), Labcorp
Classification: Uncertain significance for Hypertrophic cardiomyopathy. Last evaluated: 2025-06-04. Review status: criteria provided, single submitter. Criteria: Invitae Variant Classification Sherloc (09022015). Collection method: clinical testing. Allele origin: germline.
Comment: This variant, c.3433_3435del, results in the deletion of 1 amino acid(s) of the MYH7 protein (p.Glu1145del), but otherwise preserves the integrity of the reading frame. This variant is present in population databases (no rsID available, gnomAD 0.0009%). This variant has not been reported in the literature in individuals affected with MYH7-related conditions. Experimental studies and prediction algorithms are not available or were not evaluated, and the functional significance of this variant is currently unknown. In summary, the available evidence is currently insufficient to determine the role of this variant in disease. Therefore, it has been classified as a Variant of Uncertain Significance.

Ambry Genetics
Classification: Uncertain significance for Cardiovascular phenotype. Last evaluated: 2022-02-03. Review status: criteria provided, single submitter. Criteria: Ambry Variant Classification Scheme 2023. Collection method: clinical testing. Allele origin: germline.
Comment: The c.3433_3435delGAG variant (also known as p.E1145del) is located in coding exon 25 of the MYH7 gene. This variant results from an in-frame GAG deletion at nucleotide positions 3433 to 3435. This results in the in-frame deletion of a glutamic acid at codon 1145. This amino acid position is highly conserved in available vertebrate species. In addition, this alteration is predicted to be deleterious by in silico analysis (Choi Y et al. PLoS ONE. 2012; 7(10):e46688). Since supporting evidence is limited at this time, the clinical significance of this alteration remains unclear.

NM_000257.4(MYH7):c.3430GAG[1] (p.Glu1145del)

Gene: MYH7 (myosin heavy chain 7; minus strand). Cytogenetic location: 14q11.2.
Variant type: Microsatellite.
Coding change: c.3430GAG[1] on transcript NM_000257.4 (MANE Select); one copy of the 3-base unit GAG starting at c.3430; the reference has two copies in a row; one copy, 3 bases deleted.
Protein change: p.Glu1145del; deletes glutamic acid 1145.
Molecular consequence: inframe deletion. On other transcripts: inframe indel (1).
Genome position (GRCh38, 1-based): chr14:23,420,136-23,420,138, CTC deleted on the plus strand (GAG on the coding strand, the reverse complement: MYH7 is on the minus strand); deleting any 3 consecutive bases within chr14:23,420,136-23,420,142 gives the same sequence; the position shown is the placement nearest the transcript's 3' end. VCF-style (leftmost placement, unchanged base first): chr14-23420135-TCTC-T. GRCh37 (hg19) VCF-style: chr14-23889344-TCTC-T.
Other names: c.3429_3431GGA[1], p.Glu1145del (NM_001407004.1); c.3433_3435delGAG (NM_000257.4); short protein forms E1145del.
Identifiers: ClinVar variation 1731397 (VCV001731397.4), dbSNP rs1471023345, ClinGen allele CA613318047.